The following is an entry in ClinVar:

ClinVar aggregate classification (germline): Uncertain significance (1 of 4 stars; one submission).

Submission:

Labcorp Genetics (formerly Invitae), Labcorp
Classification: Uncertain significance. Last evaluated: 2023-12-13. Review status: criteria provided, single submitter. Criteria: Invitae Variant Classification Sherloc (09022015). Collection method: clinical testing. Allele origin: germline.
Comment: This sequence change replaces leucine, which is neutral and non-polar, with arginine, which is basic and polar, at codon 1058 of the BAZ2B protein (p.Leu1058Arg). This variant is not present in population databases (gnomAD no frequency). This variant has not been reported in the literature in individuals affected with BAZ2B-related conditions. An algorithm developed to predict the effect of missense changes on protein structure and function (PolyPhen-2) suggests that this variant is likely to be disruptive. In summary, the available evidence is currently insufficient to determine the role of this variant in disease. Therefore, it has been classified as a Variant of Uncertain Significance.

NM_013450.4(BAZ2B):c.3281T>G (p.Leu1094Arg)

Gene: BAZ2B (bromodomain adjacent to zinc finger domain 2B; minus strand). Cytogenetic location: 2q24.2.
Variant type: single nucleotide variant.
Coding change: c.3281T>G on transcript NM_013450.4 (MANE Select); coding-DNA position 3281, T replaced by G.
Protein change: p.Leu1094Arg; replaces leucine 1094 with arginine.
Molecular consequence: missense variant.
Genome position (GRCh38, 1-based): chr2:159,386,543, A>C on the plus strand (T>G on the coding strand, the complement: BAZ2B is on the minus strand). VCF-style: chr2-159386543-A-C. GRCh37 (hg19) VCF-style: chr2-160243054-A-C.
Other names: c.3173T>G, p.Leu1058Arg (NM_001289975.1); c.3119T>G, p.Leu1040Arg (NM_001329857.2); c.3206T>G, p.Leu1069Arg (NM_001329858.2); short protein forms L1094R, L1058R, L1040R, L1069R.
Identifiers: ClinVar variation 2702688 (VCV002702688.3), dbSNP rs2546073741, ClinGen allele CA348934304.